The following is an entry in ClinVar:

ClinVar aggregate classification (germline): Uncertain significance (1 of 4 stars; one submission).

Conditions:
Immunodeficiency, common variable, 1. Also called: ANTIBODY DEFICIENCY DUE TO ICOS DEFECT. Identifiers: Orphanet 1572, Orphanet 695183, MedGen C3149378, MONDO:0011864, OMIM 607594.

gnomAD v4.1: 1 of 1,612,930 alleles (0.000062%); highest among the groups gnomAD compares: Non-Finnish European, 0.000085%; no homozygotes.

Submission:

Labcorp Genetics (formerly Invitae), Labcorp
Classification: Uncertain significance for Immunodeficiency, common variable, 1. Last evaluated: 2022-08-16. Review status: criteria provided, single submitter. Criteria: Invitae Variant Classification Sherloc (09022015). Collection method: clinical testing. Allele origin: germline.
Comment: This sequence change replaces aspartic acid, which is acidic and polar, with histidine, which is basic and polar, at codon 175 of the ICOS protein (p.Asp175His). This variant is not present in population databases (gnomAD no frequency). This variant has not been reported in the literature in individuals affected with ICOS-related conditions. Algorithms developed to predict the effect of missense changes on protein structure and function are either unavailable or do not agree on the potential impact of this missense change (SIFT: "Deleterious"; PolyPhen-2: "Probably Damaging"; Align-GVGD: "Class C0"). In summary, the available evidence is currently insufficient to determine the role of this variant in disease. Therefore, it has been classified as a Variant of Uncertain Significance.

NM_012092.4(ICOS):c.523G>C (p.Asp175His)

Gene: ICOS (inducible T cell costimulator; plus strand). Cytogenetic location: 2q33.2.
Variant type: single nucleotide variant.
Coding change: c.523G>C on transcript NM_012092.4 (MANE Select); coding-DNA position 523, G replaced by C.
Protein change: p.Asp175His; replaces aspartic acid 175 with histidine.
Molecular consequence: missense variant.
Genome position (GRCh38, 1-based): chr2:203,957,820, G>C. VCF-style: chr2-203957820-G-C. GRCh37 (hg19) VCF-style: chr2-204822543-G-C.
Other names: short protein forms D175H.
Identifiers: ClinVar variation 1715492 (VCV001715492.5), dbSNP rs778908715, ClinGen allele CA350140624.
Genomic context (GRCh38, chr2:203,957,820, plus strand): 5'-GAAAAGATGACCAAGCATGTTTCTGGCTTTTTCTTTCAGAAGTATTCATCCAGTGTGCAC[G>C]ACCCTAACGGTGAATACATGTTCATGAGAGCAGTGAACACAGCCAAAAAATCTAGACTCA-3'
Protein context (NP_036224.1, residues 165-185): TKKKYSSSVH[Asp175His]PNGEYMFMRA